The following is an entry in ClinVar:

ClinVar aggregate classification (germline): Uncertain significance. Review status: criteria provided, multiple submitters, no conflicts (2 of 4 stars). 2 submissions from 2 submitters: Uncertain significance (2). Last evaluated 2024-08-15.

Allele frequency attached by ClinVar (database versions not stated): ExAC 0.00001; gnomAD 0.00001.
gnomAD v4.1: 9 of 1,590,252 alleles (0.00057%); highest among the groups gnomAD compares: Admixed American, 0.007%; no homozygotes.

Submissions (2):

Ambry Genetics
Classification: Uncertain significance. Last evaluated: 2024-08-15. Review status: criteria provided, single submitter. Criteria: Ambry Variant Classification Scheme 2023. Collection method: clinical testing. Allele origin: germline.

Labcorp Genetics (formerly Invitae), Labcorp
Classification: Uncertain significance. Last evaluated: 2023-05-31. Review status: criteria provided, single submitter. Criteria: Invitae Variant Classification Sherloc (09022015). Collection method: clinical testing. Allele origin: germline.
Comment: Experimental studies and prediction algorithms are not available or were not evaluated, and the functional significance of this variant is currently unknown. This sequence change replaces proline, which is neutral and non-polar, with leucine, which is neutral and non-polar, at codon 46 of the DSCAML1 protein (p.Pro46Leu). The frequency data for this variant in the population databases is considered unreliable, as metrics indicate poor data quality at this position in the gnomAD database. This variant has not been reported in the literature in individuals affected with DSCAML1-related conditions. In summary, the available evidence is currently insufficient to determine the role of this variant in disease. Therefore, it has been classified as a Variant of Uncertain Significance.

NM_020693.4(DSCAML1):c.-44C>T

Gene: DSCAML1 (DS cell adhesion molecule like 1; minus strand). Cytogenetic location: 11q23.3.
Variant type: single nucleotide variant.
Coding change: c.-44C>T on transcript NM_020693.4 (MANE Select); 44 bases upstream of the start codon, C replaced by T.
Molecular consequence: 5 prime UTR variant. On other transcripts: intron variant (1).
Genome position (GRCh38, 1-based): chr11:117,797,123, G>A on the plus strand (C>T on the coding strand, the complement: DSCAML1 is on the minus strand). VCF-style: chr11-117797123-G-A. GRCh37 (hg19) VCF-style: chr11-117667838-G-A.
Other names: c.-44C>T (NM_001367904.1); c.-362-16313C>T (NM_001367905.1); c.137C>T (NM_020693.2).
Identifiers: ClinVar variation 2969168 (VCV002969168.4), dbSNP rs747598074, ClinGen allele CA6297692.
Genomic context (GRCh38, chr11:117,797,123, plus strand): 5'-AAAGTTACCAGCCACATGCCATAAAGAGGCCCTATTCTCCGGGGAGGTGGTCCTGTGGCC[G>A]GCCGTGCGGCAGCGCCTCTCCCCCGCTCAGCGCGCTCCCAGCCGCCCGCACTCGGCGCCC-3'